The following is an entry in ClinVar:

ClinVar aggregate classification (germline): Uncertain significance (1 of 4 stars; one submission).

Submission:

Labcorp Genetics (formerly Invitae), Labcorp
Classification: Uncertain significance. Last evaluated: 2020-08-25. Review status: criteria provided, single submitter. Criteria: Invitae Variant Classification Sherloc (09022015). Collection method: clinical testing. Allele origin: germline.
Comment: This sequence change replaces threonine with asparagine at codon 84 of the MERTK protein (p.Thr84Asn). The threonine residue is highly conserved and there is a small physicochemical difference between threonine and asparagine. This variant is not present in population databases (ExAC no frequency). This variant has not been reported in the literature in individuals with MERTK-related conditions. Algorithms developed to predict the effect of missense changes on protein structure and function are either unavailable or do not agree on the potential impact of this missense change (SIFT: "Deleterious"; PolyPhen-2: "Benign"; Align-GVGD: "Class C0"). In summary, the available evidence is currently insufficient to determine the role of this variant in disease. Therefore, it has been classified as a Variant of Uncertain Significance.

NM_006343.3(MERTK):c.251C>A (p.Thr84Asn)

Gene: MERTK (MER proto-oncogene, tyrosine kinase; plus strand). Cytogenetic location: 2q13.
Variant type: single nucleotide variant.
Coding change: c.251C>A on transcript NM_006343.3 (MANE Select); coding-DNA position 251, C replaced by A.
Protein change: p.Thr84Asn; replaces threonine 84 with asparagine.
Molecular consequence: missense variant.
Genome position (GRCh38, 1-based): chr2:111,929,309, C>A. VCF-style: chr2-111929309-C-A. GRCh37 (hg19) VCF-style: chr2-112686886-C-A.
Other names: short protein forms T84N.
Identifiers: ClinVar variation 999773 (VCV000999773.8), dbSNP rs1684624760, ClinGen allele CA348226236.